The following is an entry in ClinVar:

ClinVar aggregate classification (germline): Benign/Likely benign. Review status: criteria provided, multiple submitters, no conflicts (2 of 4 stars). 3 submissions from 3 submitters: Benign (1); Likely benign (2). Last evaluated 2024-12-17.

Conditions:
Hereditary cancer-predisposing syndrome. Also called: Hereditary Cancer Syndrome; Neoplastic Syndromes, Hereditary; Hereditary neoplastic syndrome; Tumor predisposition. Identifiers: Orphanet 140162, MedGen C0027672, MeSH D009386, MONDO:0015356.
Lynch syndrome 5 (LYNCH5). Also called: Colorectal cancer, hereditary nonpolyposis, type 5; Hereditary non-polyposis colorectal cancer, type 5. Identifiers: Orphanet 144, MedGen C1833477, MONDO:0013710, OMIM 614350. Disease mechanism: loss of function.
Hereditary nonpolyposis colorectal neoplasms. Identifiers: MedGen C0009405, MeSH D003123.

Submissions (3):

Myriad Genetics, Inc.
Classification: Benign for Lynch syndrome 5. Last evaluated: 2024-12-17. Review status: criteria provided, single submitter. Criteria: Myriad Autosomal Dominant, Autosomal Recessive and X-Linked Classification Criteria (2023). Collection method: clinical testing. Allele origin: unknown.
Comment: This variant is considered benign. This variant is a silent/synonymous amino acid change and it is not expected to impact splicing.

Ambry Genetics
Classification: Likely benign for Hereditary cancer-predisposing syndrome. Last evaluated: 2023-01-17. Review status: criteria provided, single submitter. Criteria: Ambry Variant Classification Scheme 2023. Collection method: clinical testing. Allele origin: germline.

Labcorp Genetics (formerly Invitae), Labcorp
Classification: Likely benign for Hereditary nonpolyposis colorectal neoplasms. Last evaluated: 2020-08-16. Review status: criteria provided, single submitter. Criteria: Invitae Variant Classification Sherloc (09022015). Collection method: clinical testing. Allele origin: germline.

NM_000179.3(MSH6):c.135C>G (p.Gly45=)

Gene: MSH6 (mutS homolog 6; plus strand). Cytogenetic location: 2p16.3.
Variant type: single nucleotide variant.
Coding change: c.135C>G on transcript NM_000179.3 (MANE Select); coding-DNA position 135, C replaced by G.
Protein change: p.Gly45=; no amino-acid change (glycine 45 retained).
Molecular consequence: synonymous variant. On other transcripts: 5 prime UTR variant (1).
Genome position (GRCh38, 1-based): chr2:47,783,368, C>G. VCF-style: chr2-47783368-C-G. GRCh37 (hg19) VCF-style: chr2-48010507-C-G.
Other names: c.135C>G, p.Gly45= (NM_001281492.2); c.-602C>G (NM_001281493.2); c.135C>G (NM_000179.2).
Identifiers: ClinVar variation 1142192 (VCV001142192.12), dbSNP rs876659020, ClinGen allele CA346734902.
Genomic context (GRCh38, chr2:47,783,368, plus strand): 5'-CAGGGCCTCACGCGAAGGCGGCCGTGCCGCCGCTGCCCCCGGGGCCTCTCCTTCCCCAGG[C>G]GGGGATGCGGCCTGGAGCGAGGCTGGGCCTGGGCCCAGGCCCTTGGCGCGCTCCGCGTCA-3'
Protein context (NP_000170.1, residues 35-55): AAAPGASPSP[Gly45=]GDAAWSEAGP